The following is an entry in ClinVar:

ClinVar aggregate classification (germline): Uncertain significance (1 of 4 stars; one submission).

Conditions:
Hereditary cancer-predisposing syndrome. Also called: Tumor predisposition; Neoplastic Syndromes, Hereditary; Hereditary Cancer Syndrome; Hereditary neoplastic syndrome. Identifiers: Orphanet 140162, MedGen C0027672, MeSH D009386, MONDO:0015356.

Submission:

Ambry Genetics
Classification: Uncertain significance for Hereditary cancer-predisposing syndrome. Last evaluated: 2024-10-06. Review status: criteria provided, single submitter. Criteria: Ambry Variant Classification Scheme 2023. Collection method: clinical testing. Allele origin: germline.
Comment: The p.F146L variant (also known as c.438T>A), located in coding exon 5 of the BMPR1A gene, results from a T to A substitution at nucleotide position 438. The phenylalanine at codon 146 is replaced by leucine, an amino acid with highly similar properties. This amino acid position is conserved. In addition, this alteration is predicted to be tolerated by in silico analysis. Based on the available evidence, the clinical significance of this variant remains unclear.

NM_004329.3(BMPR1A):c.438T>A (p.Phe146Leu)

Gene: BMPR1A (bone morphogenetic protein receptor type 1A; plus strand). Cytogenetic location: 10q23.2.
Variant type: single nucleotide variant.
Coding change: c.438T>A on transcript NM_004329.3 (MANE Select); coding-DNA position 438, T replaced by A.
Protein change: p.Phe146Leu; replaces phenylalanine 146 with leucine.
Molecular consequence: missense variant. On other transcripts: non-coding transcript variant (3), intron variant (1).
Genome position (GRCh38, 1-based): chr10:86,900,034, T>A. VCF-style: chr10-86900034-T-A. GRCh37 (hg19) VCF-style: chr10-88659791-T-A.
Other names: c.438T>A, p.Phe146Leu (NM_001406559.1, NM_001406560.1, NM_001406561.1 and 22 more transcripts); c.354T>A, p.Phe118Leu (NM_001406584.1, NM_001406585.1, NM_001406586.1 and 2 more transcripts); c.333+7805T>A (NM_001406589.1); short protein forms F146L, F118L.
Identifiers: ClinVar variation 3481230 (VCV003481230.1).